The following is an entry in ClinVar:

NM_001127222.2(CACNA1A):c.3692+1G>A

Gene: CACNA1A (calcium voltage-gated channel subunit alpha1 A; minus strand). Cytogenetic location: 19p13.13.
Variant type: single nucleotide variant.
Coding change: c.3692+1G>A on transcript NM_001127222.2 (MANE Select); the canonical splice donor site of the intron after coding-DNA position 3692, G replaced by A.
Molecular consequence: splice donor variant.
Genome position (GRCh38, 1-based): chr19:13,285,067, C>T on the plus strand (G>A on the coding strand, the complement: CACNA1A is on the minus strand). VCF-style: chr19-13285067-C-T. GRCh37 (hg19) VCF-style: chr19-13395881-C-T.
Other names: c.3695+1G>A (NM_001127221.2, NM_001174080.2); c.3704+1G>A (NM_000068.4, NM_023035.3); c.3692+1G>A (NM_001127222.1).
Identifiers: ClinVar variation 585567 (VCV000585567.54), dbSNP rs1315533129, ClinGen allele CA404340821.
Genomic context (GRCh38, chr19:13,285,067, plus strand): 5'-ACTTCCGCCACCCTGGTGGGAGCCCCAGGCCCCCCCTGCCCTTGCTGGGGGCCATACTCA[C>T]GGGTTGGTCGTGGACAGGATGAACATGGAGCTATAGGGAGGCATTGGCTTAGGGCCGTCT-3'

ClinVar aggregate classification (germline): Pathogenic/Likely pathogenic. Review status: criteria provided, multiple submitters, no conflicts (2 of 4 stars). 11 submissions from 11 submitters: Pathogenic (4); Likely pathogenic (5). 2 of the submissions do not count toward it. Last evaluated 2025-11-05.

Conditions:
Spinocerebellar ataxia type 6 (SCA6). Identifiers: Orphanet 98758, MedGen C0752124, MONDO:0008457, OMIM 183086.
Migraine, familial hemiplegic, 1. Also called: MIGRAINE, FAMILIAL HEMIPLEGIC 1, WITH PROGRESSIVE CEREBELLAR ATAXIA. Identifiers: Orphanet 569, MedGen C1832884, MONDO:0020756, OMIM 141500, MONDO:0007714.
Developmental and epileptic encephalopathy, 42 (DEE42A). Also called: DEVELOPMENTAL AND EPILEPTIC ENCEPHALOPATHY 42A; Epileptic encephalopathy, early infantile, 42; EPILEPTIC ENCEPHALOPATHY, EARLY INFANTILE, 42A. Identifiers: MedGen C4310716, MONDO:0014917, OMIM 617106.
Episodic ataxia type 2 (EA2). Also called: ATAXIA, EPISODIC, WITH NYSTAGMUS; ATAXIA, FAMILIAL PAROXYSMAL; CEREBELLAR ATAXIA, PAROXYSMAL, ACETAZOLAMIDE-RESPONSIVE; CEREBELLOPATHY, HEREDITARY PAROXYSMAL; EPISODIC ATAXIA, NYSTAGMUS-ASSOCIATED; ACETAZOLAMIDE-RESPONSIVE HEREDITARY PAROXYSMAL CEREBELLAR ATAXIA. Identifiers: Orphanet 97, MedGen C1720416, MONDO:0007163, OMIM 108500.
CACNA1A-related disorder. Also called: CACNA1A-related condition.

Allele frequency attached by ClinVar (database versions not stated): gnomAD exomes below 0.00001.
gnomAD v4.1: 2 of 1,613,994 alleles (0.00012%); highest among the groups gnomAD compares: South Asian, 0.0011%; no homozygotes.

Submissions (11):

PreventionGenetics, part of Exact Sciences
Classification: Pathogenic for CACNA1A-related condition. Last evaluated: 2025-11-05. Review status: criteria provided, single submitter. Criteria: ACMG Guidelines, 2015. Collection method: clinical testing. Allele origin: germline.
Comment: The CACNA1A c.3692+1G>A variant is predicted to disrupt the GT donor site and interfere with normal splicing. This variant has been reported in three individuals from two families with autosomal dominant episodic ataxia/cerebellarataxias (referred to as 3977+1G>A, Eunson et al. 2005. PubMed ID: 16043807; reported as NM_023035.2:c.3704+1G>A, Baviera-Muñoz et al. 2022. PubMed ID: 36530930). This variant is reported in 0.0056% of alleles in individuals of East Asian descent in gnomAD. Variants that disrupt the consensus splice donor site in CACNA1A are expected to be pathogenic. This variant is interpreted as pathogenic.

Labcorp Genetics (formerly Invitae), Labcorp
Classification: Likely pathogenic for Developmental and epileptic encephalopathy, 42; Episodic ataxia type 2. Last evaluated: 2025-07-14. Review status: criteria provided, single submitter. Criteria: Invitae Variant Classification Sherloc (09022015). Collection method: clinical testing. Allele origin: germline.
Comment: This sequence change affects a donor splice site in intron 21 of the CACNA1A gene. It is expected to disrupt RNA splicing. Variants that disrupt the donor or acceptor splice site typically lead to a loss of protein function (PMID: 16199547), and loss-of-function variants in CACNA1A are known to be pathogenic (PMID: 10371528, 19486177, 25735478, 27250579). This variant is present in population databases (no rsID available, gnomAD 0.006%). Disruption of this splice site has been observed in individual(s) with episodic ataxia (PMID: 16043807). This variant is also known as c.3977+1G>A or c.3704+1G>A. ClinVar contains an entry for this variant (Variation ID: 585567). Algorithms developed to predict the effect of sequence changes on RNA splicing suggest that this variant may disrupt the consensus splice site. In summary, the currently available evidence indicates that the variant is pathogenic, but additional data are needed to prove that conclusively. Therefore, this variant has been classified as Likely Pathogenic.

Blueprint Genetics
Classification: Pathogenic for CACNA1A-related disorders. Last evaluated: 2024-05-08. Review status: criteria provided, single submitter. Criteria: ACMG Guidelines, 2015. Collection method: clinical testing. Allele origin: germline. Affected: yes. Observed: 5 variant alleles.

Athena Diagnostics
Classification: Pathogenic. Last evaluated: 2023-02-16. Review status: criteria provided, single submitter. Criteria: Athena Diagnostics Criteria. Collection method: clinical testing. Allele origin: unknown.
Comment: This variant is expected to severely impact normal RNA splicing, and consequently, protein structure and/or function. The frequency of this variant in the general population is consistent with pathogenicity. This variant has been identified in at least one individual with episodic ataxia.

GeneDx
Classification: Pathogenic. Last evaluated: 2022-02-24. Review status: criteria provided, single submitter. Criteria: GeneDx Variant Classification Process June 2021. Collection method: clinical testing. Allele origin: germline. Affected: yes.
Comment: Reported in an individual with episodic ataxia type 2 (Eunson et al., 2005; Tomlinson et al., 2016); Canonical splice site variant predicted to result in a null allele in a gene for which loss-of-function is a known mechanism of disease; Not observed at a significant frequency in large population cohorts (gnomAD); This variant is associated with the following publications: (PMID: 16043807, 26912519)

CeGaT Center for Human Genetics Tuebingen
Classification: Likely pathogenic. Last evaluated: 2021-12-01. Review status: criteria provided, single submitter. Criteria: CeGaT Center For Human Genetics Tuebingen Variant Classification Criteria Version 2. Collection method: clinical testing. Allele origin: germline. Affected: yes. Observed: 1 variant allele.

Institute of Medical Genetics and Applied Genomics, University Hospital Tübingen
Classification: Likely pathogenic. Last evaluated: 2020-10-23. Review status: criteria provided, single submitter. Criteria: ACMG Guidelines, 2015. Collection method: clinical testing. Allele origin: germline. Inheritance: Autosomal dominant inheritance. Affected: yes.

Baylor Genetics
Classification: Likely pathogenic for Episodic ataxia type 2. Last evaluated: 2019-08-27. Review status: criteria provided, single submitter. Criteria: ACMG Guidelines, 2015. Collection method: clinical testing. Allele origin: unknown. Affected: yes.
Comment: This variant was determined to be likely pathogenic according to ACMG Guidelines, 2015 [PMID:25741868].

Genetic Services Laboratory, University of Chicago
Classification: Likely pathogenic. Last evaluated: 2018-02-21. Review status: criteria provided, single submitter. Criteria: ACMG Guidelines, 2015. Collection method: clinical testing. Allele origin: germline. Affected: yes.

Department of Genetics, Rouen University Hospital, Normandy Center for Genomic and Personalized Medicine
Classification: Likely pathogenic for Developmental and epileptic encephalopathy, 42. Last evaluated: 2020-08-14. Review status: no assertion criteria provided. Collection method: clinical testing. Allele origin: de novo. Affected: yes. Not counted in ClinVar's aggregate classification.

Centre for Mendelian Genomics, University Medical Centre Ljubljana
Classification: Uncertain significance for Migraine, familial hemiplegic, 1. Last evaluated: 2016-01-01. Review status: flagged submission. Criteria: ACMG Guidelines, 2015. Collection method: clinical testing. Allele origin: unknown. Affected: yes. Not counted in ClinVar's aggregate classification.
Comment: This variant was classified as: Uncertain significance. The following ACMG criteria were applied in classifying this variant: PVS1.
ClinVar note: Reason: Outlier claim with insufficient supporting evidence

Literature cited by the submitters: PubMed 16199547 (cited by Labcorp Genetics (formerly Invitae), Labcorp); PubMed 10371528 (cited by Labcorp Genetics (formerly Invitae), Labcorp); PubMed 19486177 (cited by Labcorp Genetics (formerly Invitae), Labcorp); PubMed 25735478 (cited by Labcorp Genetics (formerly Invitae), Labcorp); PubMed 27250579 (cited by Labcorp Genetics (formerly Invitae), Labcorp); PubMed 16043807 (cited by Labcorp Genetics (formerly Invitae), Labcorp and Athena Diagnostics); PubMed 26912519 (cited by Athena Diagnostics); PubMed 36530930 (cited by Athena Diagnostics); PubMed 31506931 (cited by Athena Diagnostics); PubMed 33144682 (cited by Athena Diagnostics).